The following is an entry in ClinVar:

ClinVar aggregate classification (germline): Uncertain significance. Review status: criteria provided, multiple submitters, no conflicts (2 of 4 stars). 2 submissions from 2 submitters: Uncertain significance (2). Last evaluated 2025-05-21.

Allele frequency attached by ClinVar (database versions not stated): gnomAD 0.00001; ExAC 0.00002; gnomAD exomes 0.00002; TOPMed 0.00002.
gnomAD v4.1: 26 of 1,549,172 alleles (0.0017%); highest among the groups gnomAD compares: Non-Finnish European, 0.0021%; no homozygotes.

Submissions (2):

Labcorp Genetics (formerly Invitae), Labcorp
Classification: Uncertain significance. Last evaluated: 2025-05-21. Review status: criteria provided, single submitter. Criteria: Invitae Variant Classification Sherloc (09022015). Collection method: clinical testing. Allele origin: germline.
Comment: This sequence change replaces methionine, which is neutral and non-polar, with isoleucine, which is neutral and non-polar, at codon 383 of the LIPC protein (p.Met383Ile). This variant is present in population databases (rs780221618, gnomAD 0.004%). This missense change has been observed in individual(s) with dyslipidemia (PMID: 36325899). ClinVar contains an entry for this variant (Variation ID: 2248679). Invitae Evidence Modeling of protein sequence and biophysical properties (such as structural, functional, and spatial information, amino acid conservation, physicochemical variation, residue mobility, and thermodynamic stability) indicates that this missense variant is not expected to disrupt LIPC protein function with a negative predictive value of 80%. In summary, the available evidence is currently insufficient to determine the role of this variant in disease. Therefore, it has been classified as a Variant of Uncertain Significance.

Ambry Genetics
Classification: Uncertain significance. Last evaluated: 2021-09-01. Review status: criteria provided, single submitter. Criteria: Ambry Variant Classification Scheme 2023. Collection method: clinical testing. Allele origin: germline.

Literature cited by the submitters: PubMed 36325899 (cited by Labcorp Genetics (formerly Invitae), Labcorp).

NM_000236.3(LIPC):c.1149G>A (p.Met383Ile)

Gene: LIPC (lipase C, hepatic type; plus strand). Cytogenetic location: 15q21.3.
Variant type: single nucleotide variant.
Coding change: c.1149G>A on transcript NM_000236.3 (MANE Select); coding-DNA position 1149, G replaced by A.
Protein change: p.Met383Ile; replaces methionine 383 with isoleucine.
Molecular consequence: missense variant.
Genome position (GRCh38, 1-based): chr15:58,560,961, G>A. VCF-style: chr15-58560961-G-A. GRCh37 (hg19) VCF-style: chr15-58853160-G-A.
Other names: short protein forms M383I.
Identifiers: ClinVar variation 2248679 (VCV002248679.3), dbSNP rs780221618, ClinGen allele CA7585127.
Genomic context (GRCh38, chr15:58,560,961, plus strand): 5'-AACTGAGACACCAATACAAACAACTTTTACCATGTCACTACTCGGAACAAAAGAGAAAAT[G>A]CAGAAAATTCCCATCACTCTGTGAGTAGGAGGTGTAGCCCCCTAGGGTGATGACACACTT-3'
Protein context (NP_000227.2, residues 373-393): TMSLLGTKEK[Met383Ile]QKIPITLGKG